The following is an entry in ClinVar:

NM_153006.3(NAGS):c.216G>T (p.Ser72=)

Gene: NAGS (N-acetylglutamate synthase; plus strand). Cytogenetic location: 17q21.31.
Variant type: single nucleotide variant.
Coding change: c.216G>T on transcript NM_153006.3 (MANE Select); coding-DNA position 216, G replaced by T.
Protein change: p.Ser72=; no amino-acid change (serine 72 retained).
Molecular consequence: synonymous variant.
Genome position (GRCh38, 1-based): chr17:44,004,879, G>T. VCF-style: chr17-44004879-G-T. GRCh37 (hg19) VCF-style: chr17-42082247-G-T.
Identifiers: ClinVar variation 508522 (VCV000508522.8), dbSNP rs891726101, ClinGen allele CA290903111.

ClinVar aggregate classification (germline): Likely benign. Review status: criteria provided, multiple submitters, no conflicts (2 of 4 stars). 2 submissions from 2 submitters: Likely benign (2). Last evaluated 2024-01-24.

Conditions:
Hyperammonemia, type III (NAGSD). Also called: Hyperammonemia due to N-acetylglutamate synthase deficiency. Identifiers: Orphanet 927, MedGen C0268543, MONDO:0009377, OMIM 237310.

Allele frequency attached by ClinVar (database versions not stated): gnomAD exomes 0.00001; TOPMed 0.00001.
gnomAD v4.1: 28 of 1,531,412 alleles (0.0018%); highest among the groups gnomAD compares: Non-Finnish European, 0.0024%; no homozygotes.

Submissions (2):

Labcorp Genetics (formerly Invitae), Labcorp
Classification: Likely benign for Hyperammonemia, type III. Last evaluated: 2024-01-24. Review status: criteria provided, single submitter. Criteria: Invitae Variant Classification Sherloc (09022015). Collection method: clinical testing. Allele origin: germline.

GeneDx
Classification: Likely benign. Last evaluated: 2017-04-07. Review status: criteria provided, single submitter. Criteria: GeneDx Variant Classification (06012015). Collection method: clinical testing. Allele origin: germline. Affected: yes.
Comment: This variant is considered likely benign or benign based on one or more of the following criteria: it is a conservative change, it occurs at a poorly conserved position in the protein, it is predicted to be benign by multiple in silico algorithms, and/or has population frequency not consistent with disease.